The following is an entry in ClinVar:

NM_001077365.2(POMT1):c.539+3A>G

Gene: POMT1 (protein O-mannosyltransferase 1; plus strand). Cytogenetic location: 9q34.13.
Variant type: single nucleotide variant.
Coding change: c.539+3A>G on transcript NM_001077365.2 (MANE Select); 3 bases into the intron after coding-DNA position 539, A replaced by G.
Molecular consequence: intron variant.
Genome position (GRCh38, 1-based): chr9:131,509,025, A>G. VCF-style: chr9-131509025-A-G. GRCh37 (hg19) VCF-style: chr9-134384412-A-G.
Other names: c.377+3A>G (NM_001353198.2, NM_001353194.2, NM_001374689.1 and 3 more transcripts); c.539+3A>G (NM_001353193.2, NM_001136113.2, NM_007171.4 and 1 more transcripts); c.188+3A>G (NM_001374691.1, NM_001353195.2, NM_001374692.1 and 2 more transcripts); c.449+3A>G (NM_001353196.2); c.83+3A>G (NM_001374695.1, NM_001353200.2).
Identifiers: ClinVar variation 383121 (VCV000383121.8), dbSNP rs780457748, ClinGen allele CA5293299.
Genomic context (GRCh38, chr9:131,509,025, plus strand): 5'-TTTTCAATCTATTGGCCGTGTTGTCCTACCTGAAGTTCTTCAACTGCCAAAAGCACAGGT[A>G]TGGAAAATGGAGTGTCTTCCTAGTTAACGAGAACAGAGATTCTGGGTGGTTTGTTGATCT-3'

ClinVar aggregate classification (germline): Uncertain significance. Review status: criteria provided, multiple submitters, no conflicts (2 of 4 stars). 2 submissions from 2 submitters: Uncertain significance (2). Last evaluated 2025-07-09.

Conditions:
Muscular dystrophy-dystroglycanopathy (congenital with impaired intellectual development), type B, 1. Also called: Muscular dystrophy-dystroglycanopathy (congenital with intellectual disability), type B1; MUSCULAR DYSTROPHY, CONGENITAL, POMT1-RELATED. Identifiers: MedGen C5436962, MONDO:0013159, OMIM 613155.
Walker-Warburg congenital muscular dystrophy. Also called: Muscular dystrophy-dystroglycanopathy, type A; Walker-Warburg syndrome. Identifiers: Orphanet 899, MedGen C0265221, MONDO:0000171.
Autosomal recessive limb-girdle muscular dystrophy type 2K. Also called: MUSCULAR DYSTROPHY-DYSTROGLYCANOPATHY (LIMB-GIRDLE), TYPE C, 1; MUSCULAR DYSTROPHY, LIMB-GIRDLE, TYPE 2K. Identifiers: Orphanet 86812, MedGen C1836373, MONDO:0012248, OMIM 609308.

Allele frequency attached by ClinVar (database versions not stated): ExAC 0.00001; TOPMed 0.00002; gnomAD 0.00001; gnomAD exomes below 0.00001 and 0.00001.
gnomAD v4.1: 5 of 1,587,182 alleles (0.00032%); highest among the groups gnomAD compares: African/African-American, 0.004%; no homozygotes.

Submissions (2):

GeneDx
Classification: Uncertain significance. Last evaluated: 2025-07-09. Review status: criteria provided, single submitter. Criteria: GeneDx Variant Classification Process June 2021. Collection method: clinical testing. Allele origin: germline. Affected: yes.
Comment: See Variant Classification Assertion Criteria.

Labcorp Genetics (formerly Invitae), Labcorp
Classification: Uncertain significance for Muscular dystrophy-dystroglycanopathy (congenital with impaired intellectual development), type B, 1; Walker-Warburg congenital muscular dystrophy; Autosomal recessive limb-girdle muscular dystrophy type 2K. Last evaluated: 2024-10-22. Review status: criteria provided, single submitter. Criteria: Invitae Variant Classification Sherloc (09022015). Collection method: clinical testing. Allele origin: germline.
Comment: This sequence change falls in intron 6 of the POMT1 gene. It does not directly change the encoded amino acid sequence of the POMT1 protein. It affects a nucleotide within the consensus splice site. This variant is present in population databases (rs780457748, gnomAD 0.008%). This variant has not been reported in the literature in individuals affected with POMT1-related conditions. ClinVar contains an entry for this variant (Variation ID: 383121). Variants that disrupt the consensus splice site are a relatively common cause of aberrant splicing (PMID: 17576681, 9536098). Algorithms developed to predict the effect of sequence changes on RNA splicing suggest that this variant may disrupt the consensus splice site. In summary, the available evidence is currently insufficient to determine the role of this variant in disease. Therefore, it has been classified as a Variant of Uncertain Significance.

Literature cited by the submitters: PubMed 17576681 (cited by Labcorp Genetics (formerly Invitae), Labcorp); PubMed 9536098 (cited by Labcorp Genetics (formerly Invitae), Labcorp).